The following is an entry in ClinVar:

ClinVar aggregate classification (germline): Benign/Likely benign. Review status: criteria provided, multiple submitters, no conflicts (2 of 4 stars). 4 submissions from 4 submitters: Benign (1); Likely benign (3). Last evaluated 2025-08-30.

Conditions:
Multiple endocrine neoplasia type 2A. Also called: MULTIPLE ENDOCRINE NEOPLASIA, TYPE IIA; PTC SYNDROME; SIPPLE SYNDROME; MEN 2A; MEN-2A syndrome; Pheochromocytoma and amyloid producing medullary thyroid carcinoma. Identifiers: Orphanet 247698, Orphanet 653, MedGen C0025268, MeSH D018813, MONDO:0008234, OMIM 171400.
Hereditary cancer-predisposing syndrome. Also called: Hereditary neoplastic syndrome; Neoplastic Syndromes, Hereditary; Tumor predisposition; Hereditary Cancer Syndrome. Identifiers: Orphanet 140162, MedGen C0027672, MeSH D009386, MONDO:0015356.
Multiple endocrine neoplasia, type 2 (MEN2). Identifiers: Orphanet 653, MedGen C4048306, MONDO:0019003. Disease mechanism: gain of function.

Submissions (4):

Color Diagnostics, LLC DBA Color Health
Classification: Likely benign for Multiple endocrine neoplasia, type 2. Last evaluated: 2025-08-30. Review status: criteria provided, single submitter. Criteria: ACMG Guidelines, 2015. Collection method: clinical testing. Allele origin: germline.

Labcorp Genetics (formerly Invitae), Labcorp
Classification: Likely benign for Multiple endocrine neoplasia, type 2. Last evaluated: 2025-02-27. Review status: criteria provided, single submitter. Criteria: Invitae Variant Classification Sherloc (09022015). Collection method: clinical testing. Allele origin: germline.

Myriad Genetics, Inc.
Classification: Benign for Multiple endocrine neoplasia type 2A. Last evaluated: 2025-02-26. Review status: criteria provided, single submitter. Criteria: Myriad Autosomal Dominant, Autosomal Recessive and X-Linked Classification Criteria (2023). Collection method: clinical testing. Allele origin: unknown.
Comment: This variant is considered benign. This variant is a silent/synonymous amino acid change and it is not expected to impact splicing.

Ambry Genetics
Classification: Likely benign for Hereditary cancer-predisposing syndrome. Last evaluated: 2021-03-15. Review status: criteria provided, single submitter. Criteria: Ambry Variant Classification Scheme 2023. Collection method: clinical testing. Allele origin: germline.

NM_020975.6(RET):c.2385C>T (p.Ser795=)

Gene: RET (ret proto-oncogene; plus strand). Cytogenetic location: 10q11.21.
Variant type: single nucleotide variant.
Coding change: c.2385C>T on transcript NM_020975.6 (MANE Select); coding-DNA position 2385, C replaced by T.
Protein change: p.Ser795=; no amino-acid change (serine 795 retained).
Molecular consequence: synonymous variant.
Genome position (GRCh38, 1-based): chr10:43,118,473, C>T. VCF-style: chr10-43118473-C-T. GRCh37 (hg19) VCF-style: chr10-43613921-C-T.
Other names: c.1488C>T, p.Ser496= (NM_001406781.1, NM_001406782.1, NM_001406779.1 and 1 more transcripts); c.1359C>T, p.Ser453= (NM_001406783.1, NM_001406786.1); c.1395C>T, p.Ser465= (NM_001406784.1); c.1368C>T, p.Ser456= (NM_001406785.1); c.1353C>T, p.Ser451= (NM_001406787.1); c.1200C>T, p.Ser400= (NM_001406788.1, NM_001406789.1, NM_001406790.1); c.1080C>T, p.Ser360= (NM_001406791.1); c.936C>T, p.Ser312= (NM_001406792.1, NM_001406793.1, NM_001406794.1); and 10 more.
Identifiers: ClinVar variation 1146197 (VCV001146197.13), dbSNP rs2132932061, ClinGen allele CA469028212.